The following is an entry in ClinVar:

ClinVar aggregate classification (germline): Likely pathogenic (1 of 4 stars; one submission).

Conditions:
HSPD1-related disorder. Also called: HSPD1-related condition.

Submission:

PreventionGenetics, part of Exact Sciences
Classification: Likely pathogenic for HSPD1-related condition. Last evaluated: 2023-02-22. Review status: criteria provided, single submitter. Criteria: ACMG Guidelines, 2015. Collection method: clinical testing. Allele origin: germline.
Comment: The HSPD1 c.188T>C variant is predicted to result in the amino acid substitution p.Ile63Thr. This variant was reported in an individual with a spastic paraplegia phenotype (Pt39, Table 2, D'Amore et al 2018. PubMed ID: 30564185). This variant has not been reported in a large population database, indicating this variant is rare. De novo missense variants have been reported in individuals with hypomyelinating leukodystrophy phenotypes, however in at least one report the individual was also positive for a second potentially relevant variant (Patient 1, Yamamoto et al. 2018. PubMed ID: 30083362; Cömert et al. 2020. PubMed ID: 32532876). Taken together, this variant is interpreted as likely pathogenic.

NM_002156.5(HSPD1):c.188T>C (p.Ile63Thr)

Gene: HSPD1 (heat shock protein family D (Hsp60) member 1; minus strand). Cytogenetic location: 2q33.1.
Variant type: single nucleotide variant.
Coding change: c.188T>C on transcript NM_002156.5 (MANE Select); coding-DNA position 188, T replaced by C.
Protein change: p.Ile63Thr; replaces isoleucine 63 with threonine.
Molecular consequence: missense variant.
Genome position (GRCh38, 1-based): chr2:197,497,379, A>G on the plus strand (T>C on the coding strand, the complement: HSPD1 is on the minus strand). VCF-style: chr2-197497379-A-G. GRCh37 (hg19) VCF-style: chr2-198362103-A-G.
Other names: c.188T>C, p.Ile63Thr (NM_199440.2); short protein forms I63T.
Identifiers: ClinVar variation 2630153 (VCV002630153.1), dbSNP rs2470123138, ClinGen allele CA350203998.